The following is an entry in ClinVar:

ClinVar aggregate classification (germline): Uncertain significance. Review status: criteria provided, multiple submitters, no conflicts (2 of 4 stars). 2 submissions from 2 submitters: Uncertain significance (2). Last evaluated 2026-01-29.

Conditions:
Hereditary cancer-predisposing syndrome. Also called: Tumor predisposition; Hereditary Cancer Syndrome; Hereditary neoplastic syndrome; Neoplastic Syndromes, Hereditary. Identifiers: Orphanet 140162, MedGen C0027672, MeSH D009386, MONDO:0015356.
Mitochondrial complex II deficiency, nuclear type 1. Also called: SUCCINATE CoQ REDUCTASE DEFICIENCY. Identifiers: Orphanet 3208, MedGen C5700310, MONDO:0100294, OMIM 252011.
Pheochromocytoma/paraganglioma syndrome 5. Also called: Paragangliomas 5; SDHA-Related Hereditary Paraganglioma-Pheochromocytoma Syndrome. Identifiers: Orphanet 29072, MedGen C3279992, MONDO:0013602, OMIM 614165.

Submissions (2):

Ambry Genetics
Classification: Uncertain significance for Hereditary cancer-predisposing syndrome. Last evaluated: 2026-01-29. Review status: criteria provided, single submitter. Criteria: Ambry Variant Classification Scheme 2023. Collection method: clinical testing. Allele origin: germline.
Comment: The p.L371P variant (also known as c.1112T>C), located in coding exon 9 of the SDHA gene, results from a T to C substitution at nucleotide position 1112. The leucine at codon 371 is replaced by proline, an amino acid with similar properties. This amino acid position is highly conserved in available vertebrate species. In addition, this alteration is predicted to be deleterious by in silico analysis. Based on the available evidence, the clinical significance of this variant remains unclear.

Labcorp Genetics (formerly Invitae), Labcorp
Classification: Uncertain significance for Pheochromocytoma/paraganglioma syndrome 5; Mitochondrial complex II deficiency, nuclear type 1. Last evaluated: 2025-03-11. Review status: criteria provided, single submitter. Criteria: Invitae Variant Classification Sherloc (09022015). Collection method: clinical testing. Allele origin: germline.
Comment: This sequence change replaces leucine, which is neutral and non-polar, with proline, which is neutral and non-polar, at codon 371 of the SDHA protein (p.Leu371Pro). This variant is not present in population databases (gnomAD no frequency). This variant has not been reported in the literature in individuals affected with SDHA-related conditions. ClinVar contains an entry for this variant (Variation ID: 1795502). Invitae Evidence Modeling of protein sequence and biophysical properties (such as structural, functional, and spatial information, amino acid conservation, physicochemical variation, residue mobility, and thermodynamic stability) has been performed for this missense variant. However, the output from this modeling did not meet the statistical confidence thresholds required to predict the impact of this variant on SDHA protein function. In summary, the available evidence is currently insufficient to determine the role of this variant in disease. Therefore, it has been classified as a Variant of Uncertain Significance.

NM_004168.4(SDHA):c.1112T>C (p.Leu371Pro)

Gene: SDHA (succinate dehydrogenase complex flavoprotein subunit A; plus strand). Cytogenetic location: 5p15.33.
Variant type: single nucleotide variant.
Coding change: c.1112T>C on transcript NM_004168.4 (MANE Select); coding-DNA position 1112, T replaced by C.
Protein change: p.Leu371Pro; replaces leucine 371 with proline.
Molecular consequence: missense variant.
Genome position (GRCh38, 1-based): chr5:235,191, T>C. VCF-style: chr5-235191-T-C. GRCh37 (hg19) VCF-style: chr5-235306-T-C.
Other names: c.968T>C, p.Leu323Pro (NM_001294332.2); c.1112T>C, p.Leu371Pro (NM_001330758.2); short protein forms L323P, L371P.
Identifiers: ClinVar variation 1795502 (VCV001795502.4), dbSNP rs2477362816, ClinGen allele CA359013483.
Genomic context (GRCh38, chr5:235,191, plus strand): 5'-TCTGTCTTACCAGAGGCTGTGGCCCTGAGAAAGATCACGTCTACCTGCAGCTGCACCACC[T>C]ACCTCCAGAGCAGCTGGCCACGCGCCTGCCTGGCATTTCAGAGACAGCCATGATCTTCGC-3'
Protein context (NP_004159.2, residues 361-381): KDHVYLQLHH[Leu371Pro]PPEQLATRLP